The following is an entry in ClinVar:

NM_001151.4(SLC25A4):c.371G>A (p.Gly124Glu)

Gene: SLC25A4 (solute carrier family 25 member 4; plus strand). Cytogenetic location: 4q35.1.
Variant type: single nucleotide variant.
Coding change: c.371G>A on transcript NM_001151.4 (MANE Select); coding-DNA position 371, G replaced by A.
Protein change: p.Gly124Glu; replaces glycine 124 with glutamic acid.
Molecular consequence: missense variant.
Genome position (GRCh38, 1-based): chr4:185,145,023, G>A. VCF-style: chr4-185145023-G-A. GRCh37 (hg19) VCF-style: chr4-186066177-G-A.
Other names: short protein forms G124E.
Identifiers: ClinVar variation 215171 (VCV000215171.4), dbSNP rs863224207, ClinGen allele CA320996.

ClinVar aggregate classification (germline): Uncertain significance. Review status: criteria provided, multiple submitters, no conflicts (2 of 4 stars). 2 submissions from 2 submitters: Uncertain significance (2). Last evaluated 2025-01-17.

Allele frequency attached by ClinVar (database versions not stated): TOPMed 0.00001; gnomAD exomes below 0.00001; gnomAD 0.00001.
gnomAD v4.1: 9 of 1,614,016 alleles (0.00056%); highest among the groups gnomAD compares: Non-Finnish European, 0.00076%; no homozygotes.

Submissions (2):

Labcorp Genetics (formerly Invitae), Labcorp
Classification: Uncertain significance. Last evaluated: 2025-01-17. Review status: criteria provided, single submitter. Criteria: Invitae Variant Classification Sherloc (09022015). Collection method: clinical testing. Allele origin: germline.
Comment: This sequence change replaces glycine, which is neutral and non-polar, with glutamic acid, which is acidic and polar, at codon 124 of the SLC25A4 protein (p.Gly124Glu). This variant is not present in population databases (gnomAD no frequency). This variant has not been reported in the literature in individuals affected with SLC25A4-related conditions. ClinVar contains an entry for this variant (Variation ID: 215171). Invitae Evidence Modeling of protein sequence and biophysical properties (such as structural, functional, and spatial information, amino acid conservation, physicochemical variation, residue mobility, and thermodynamic stability) indicates that this missense variant is expected to disrupt SLC25A4 protein function with a positive predictive value of 80%. In summary, the available evidence is currently insufficient to determine the role of this variant in disease. Therefore, it has been classified as a Variant of Uncertain Significance.

GeneDx
Classification: Uncertain significance. Last evaluated: 2016-05-09. Review status: criteria provided, single submitter. Criteria: GeneDx Variant Classification (06012015). Collection method: clinical testing. Allele origin: germline. Affected: yes.
Comment: The G124E variant in the SLC25A4 gene has not been reported previously as a pathogenic variant, nor as a benign variant, to our knowledge. The G124E variant was not observed in approximately 6500 individuals of European and African American ancestry in the NHLBI Exome Sequencing Project, indicating it is not a common benign variant in these populations. The G124E variant is a non-conservative amino acid substitution, which is likely to impact secondary protein structure as these residues differ in polarity, charge, size and/or other properties. This substitution occurs at a position that is conserved across species. In silico analysis predicts this variant is probably damaging to the protein structure/function. Based on review of the data in the context of the 2015 ACMG standards and guidelines for the interpretation of sequence variants (Richards et al., 2015), we now interpret G124E as a variant of uncertain significance.